The following is an entry in ClinVar:

ClinVar aggregate classification (germline): Uncertain significance (1 of 4 stars; one submission).

Allele frequency attached by ClinVar (database versions not stated): TOPMed below 0.00001.

Submission:

CeGaT Center for Human Genetics Tuebingen
Classification: Uncertain significance. Last evaluated: 2025-02-01. Review status: criteria provided, single submitter. Criteria: CeGaT Center For Human Genetics Tuebingen Variant Classification Criteria Version 2. Collection method: clinical testing. Allele origin: germline. Affected: yes. Observed: 1 variant allele.
Comment: TYMP: PM2, PP3

NM_001953.5(TYMP):c.1034G>A (p.Arg345Gln)

Genes: SCO2 (synthesis of cytochrome C oxidase 2; minus strand), TYMP (thymidine phosphorylase; minus strand), LOC130067862 (ATAC-STARR-seq lymphoblastoid silent region 13986; plus strand). Cytogenetic location: 22q13.33.
Variant type: single nucleotide variant.
Coding change: c.1034G>A on transcript NM_001953.5 (MANE Select); coding-DNA position 1034, G replaced by A.
Protein change: p.Arg345Gln; replaces arginine 345 with glutamine.
Molecular consequence: missense variant. On other transcripts: 5 prime UTR variant (1).
Genome position (GRCh38, 1-based): chr22:50,526,371, C>T on the plus strand (G>A on the coding strand, the complement: TYMP is on the minus strand). VCF-style: chr22-50526371-C-T. GRCh37 (hg19) VCF-style: chr22-50964800-C-T.
Other names: c.1034G>A, p.Arg345Gln (NM_001257988.1, NM_001257989.1, NM_001113755.3 and 1 more transcripts); c.-139G>A (NM_001169109.2); short protein forms R345Q.
Identifiers: ClinVar variation 872413 (VCV000872413.39), dbSNP rs2069376525, ClinGen allele CA412197854.